The following is an entry in ClinVar:

ClinVar aggregate classification (germline): Likely pathogenic (1 of 4 stars; one submission).

Conditions:
Alstrom syndrome (ALMS). Identifiers: Orphanet 64, MedGen C0268425, MONDO:0008763, OMIM 203800.

Submission:

Myriad Genetics, Inc.
Classification: Likely pathogenic for Alstrom syndrome. Last evaluated: 2022-03-15. Review status: criteria provided, single submitter. Criteria: Myriad Women's Health Autosomal Recessive and X-Linked Classification Criteria (2021). Collection method: clinical testing. Allele origin: unknown.
Comment: NM_015120.4(ALMS1):c.9124A>T(R3042*) is expected to be pathogenic in the context of Alstrom syndrome. This variant is predicted to lead to an abnormal or absent protein product due to the creation of a premature termination codon in ALMS1, a gene where loss-of-function variants are known to be pathogenic. Please note: this variant was assessed in the context of healthy population screening.

NM_001378454.1(ALMS1):c.9121A>T (p.Arg3041Ter)

Gene: ALMS1 (ALMS1 centrosome and basal body associated protein; plus strand). Cytogenetic location: 2p13.1.
Variant type: single nucleotide variant.
Coding change: c.9121A>T on transcript NM_001378454.1 (MANE Select); coding-DNA position 9121, A replaced by T.
Protein change: p.Arg3041Ter; replaces arginine 3041 with a stop codon.
Molecular consequence: nonsense.
Genome position (GRCh38, 1-based): chr2:73,491,080, A>T. VCF-style: chr2-73491080-A-T. GRCh37 (hg19) VCF-style: chr2-73718207-A-T.
Other names: c.9124A>T, p.Arg3042Ter (NM_015120.4); short protein forms R3041*, R3042*.
Identifiers: ClinVar variation 1725251 (VCV001725251.2), dbSNP rs757177003, ClinGen allele CA347273156.